The following is an entry in ClinVar:

NM_001184.4(ATR):c.2533-1G>A

Gene: ATR (ATR checkpoint kinase; minus strand). Cytogenetic location: 3q23.
Variant type: single nucleotide variant.
Coding change: c.2533-1G>A on transcript NM_001184.4 (MANE Select); the canonical splice acceptor site of the intron before coding-DNA position 2533, G replaced by A.
Molecular consequence: splice acceptor variant.
Genome position (GRCh38, 1-based): chr3:142,553,741, C>T on the plus strand (G>A on the coding strand, the complement: ATR is on the minus strand). VCF-style: chr3-142553741-C-T. GRCh37 (hg19) VCF-style: chr3-142272583-C-T.
Other names: c.2341-1G>A (NM_001354579.2).
Identifiers: ClinVar variation 959203 (VCV000959203.9), dbSNP rs755272769, ClinGen allele CA2650331.

ClinVar aggregate classification (germline): Likely pathogenic. Review status: criteria provided, multiple submitters, no conflicts (2 of 4 stars). 2 submissions from 2 submitters: Likely pathogenic (2). Last evaluated 2025-05-21.

Allele frequency attached by ClinVar (database versions not stated): gnomAD exomes below 0.00001; ExAC 0.00001; TOPMed 0.00001; gnomAD 0.00001.
gnomAD v4.1: 3 of 1,611,534 alleles (0.00019%); highest among the groups gnomAD compares: African/African-American, 0.0027%; no homozygotes.

Submissions (2):

GeneDx
Classification: Likely pathogenic. Last evaluated: 2025-05-21. Review status: criteria provided, single submitter. Criteria: GeneDx Variant Classification Process June 2021. Collection method: clinical testing. Allele origin: germline. Affected: yes.
Comment: Reported in a patient with colon adenocarcinoma (PMID: 29625052); Canonical splice site variant predicted to result in a null allele in a gene for which loss of function is a known mechanism of disease; Not observed at significant frequency in large population cohorts (gnomAD); This variant is associated with the following publications: (PMID: 36451132, 29625052)

Labcorp Genetics (formerly Invitae), Labcorp
Classification: Likely pathogenic. Last evaluated: 2019-09-20. Review status: criteria provided, single submitter. Criteria: Invitae Variant Classification Sherloc (09022015). Collection method: clinical testing. Allele origin: germline.
Comment: In summary, the currently available evidence indicates that the variant is pathogenic, but additional data are needed to prove that conclusively. Therefore, this variant has been classified as Likely Pathogenic. Donor and acceptor splice site variants typically lead to a loss of protein function (PMID: 16199547), and loss-of-function variants in ATR are known to be pathogenic (PMID: 21228398, 23144622). Algorithms developed to predict the effect of sequence changes on RNA splicing suggest that this variant may disrupt the consensus splice site, but this prediction has not been confirmed by published transcriptional studies. This variant has not been reported in the literature in individuals with ATR-related conditions. This variant is present in population databases (rs755272769, ExAC 0.01%). This sequence change affects an acceptor splice site in intron 11 of the ATR gene. It is expected to disrupt RNA splicing and likely results in an absent or disrupted protein product.

Literature cited by the submitters: PubMed 16199547 (cited by Labcorp Genetics (formerly Invitae), Labcorp); PubMed 21228398 (cited by Labcorp Genetics (formerly Invitae), Labcorp); PubMed 23144622 (cited by Labcorp Genetics (formerly Invitae), Labcorp).